The following is an entry in ClinVar:

ClinVar aggregate classification (germline): Uncertain significance (1 of 4 stars; one submission).

Submission:

Ambry Genetics
Classification: Uncertain significance. Last evaluated: 2026-08-10. Review status: criteria provided, single submitter. Criteria: Ambry Variant Classification Scheme 2023. Collection method: clinical testing. Allele origin: germline.
Comment: The p.P531R variant (also known as c.1592C>G), located in coding exon 9 of the PKP4 gene, results from a C to G substitution at nucleotide position 1592. The proline at codon 531 is replaced by arginine, an amino acid with dissimilar properties. This amino acid position is conserved. In addition, the in silico prediction for this alteration is inconclusive. Based on the available evidence, the clinical significance of this variant remains unclear.

NM_003628.6(PKP4):c.1592C>G (p.Pro531Arg)

Gene: PKP4 (plakophilin 4; plus strand). Cytogenetic location: 2q24.1.
Variant type: single nucleotide variant.
Coding change: c.1592C>G on transcript NM_003628.6 (MANE Select); coding-DNA position 1592, C replaced by G.
Protein change: p.Pro531Arg; replaces proline 531 with arginine.
Molecular consequence: missense variant.
Genome position (GRCh38, 1-based): chr2:158,640,656, C>G. VCF-style: chr2-158640656-C-G. GRCh37 (hg19) VCF-style: chr2-159497168-C-G.
Other names: c.1592C>G, p.Pro531Arg (NM_001005476.4, NM_001304971.2, NM_001377218.1 and 1 more transcripts); c.1589C>G, p.Pro530Arg (NM_001304969.3, NM_001377219.1, NM_001377220.1 and 2 more transcripts); c.563C>G, p.Pro188Arg (NM_001304970.3); c.1586C>G, p.Pro529Arg (NM_001377222.1, NM_001377223.1); c.1583C>G, p.Pro528Arg (NM_001377224.1); short protein forms P531R, P188R, P529R, P530R, P528R.
Identifiers: ClinVar variation 5026803 (VCV005026803.1).
Genomic context (GRCh38, chr2:158,640,656, plus strand): 5'-TCCTTTCTGAAGCCATGTTTTTCTCATGTAGGGAGTTTGCCTGGCGTGATCCTGAGTTGC[C>G]TGAGGTCATTCACATGCTTCAGCACCAGTTCCCATCTGTTCAGGCAAATGCAGCGGCCTA-3'
Protein context (NP_003619.2, residues 521-541): REFAWRDPEL[Pro531Arg]EVIHMLQHQF